The following is an entry in ClinVar:

ClinVar aggregate classification (germline): Uncertain significance (1 of 4 stars; one submission).

Conditions:
Fanconi anemia (FA). Also called: Fanconi's anemia. Identifiers: Orphanet 84, MedGen C0015625, MeSH D005199, MONDO:0019391.

Submission:

Labcorp Genetics (formerly Invitae), Labcorp
Classification: Uncertain significance for Fanconi anemia. Last evaluated: 2025-02-06. Review status: criteria provided, single submitter. Criteria: Invitae Variant Classification Sherloc (09022015). Collection method: clinical testing. Allele origin: germline.
Comment: This sequence change replaces alanine, which is neutral and non-polar, with valine, which is neutral and non-polar, at codon 683 of the SLX4 protein (p.Ala683Val). This variant is not present in population databases (gnomAD no frequency). This variant has not been reported in the literature in individuals affected with SLX4-related conditions. An algorithm developed to predict the effect of missense changes on protein structure and function (PolyPhen-2) suggests that this variant is likely to be disruptive. In summary, the available evidence is currently insufficient to determine the role of this variant in disease. Therefore, it has been classified as a Variant of Uncertain Significance.

NM_032444.4(SLX4):c.2048C>T (p.Ala683Val)

Gene: SLX4 (SLX4 structure-specific endonuclease subunit; minus strand). Cytogenetic location: 16p13.3.
Variant type: single nucleotide variant.
Coding change: c.2048C>T on transcript NM_032444.4 (MANE Select); coding-DNA position 2048, C replaced by T.
Protein change: p.Ala683Val; replaces alanine 683 with valine.
Molecular consequence: missense variant.
Genome position (GRCh38, 1-based): chr16:3,594,565, G>A on the plus strand (C>T on the coding strand, the complement: SLX4 is on the minus strand). VCF-style: chr16-3594565-G-A. GRCh37 (hg19) VCF-style: chr16-3644566-G-A.
Other names: short protein forms A683V.
Identifiers: ClinVar variation 4712405 (VCV004712405.1).